The following is an entry in ClinVar:

NM_005751.5(AKAP9):c.5162+5A>G

Gene: AKAP9 (A-kinase anchoring protein 9; plus strand). Cytogenetic location: 7q21.2.
Variant type: single nucleotide variant.
Coding change: c.5162+5A>G on transcript NM_005751.5 (MANE Select); 5 bases into the intron after coding-DNA position 5162, A replaced by G.
Molecular consequence: intron variant.
Genome position (GRCh38, 1-based): chr7:92,042,776, A>G. VCF-style: chr7-92042776-A-G. GRCh37 (hg19) VCF-style: chr7-91672090-A-G.
Other names: c.5162+5A>G (NM_147185.3, NM_005751.4).
Identifiers: ClinVar variation 2416317 (VCV002416317.9), dbSNP rs1036949055, ClinGen allele CA161898052.

ClinVar aggregate classification (germline): Uncertain significance. Review status: criteria provided, multiple submitters, no conflicts (2 of 4 stars). 2 submissions from 2 submitters: Uncertain significance (2). Last evaluated 2025-08-07.

Conditions:
Cardiovascular phenotype. Identifiers: MedGen CN230736.
Long QT syndrome (LQTS). Identifiers: MedGen C0023976, MeSH D008133, MONDO:0002442. Disease mechanism: loss of function. Inheritance: Various modes of inheritance.

Allele frequency attached by ClinVar (database versions not stated): gnomAD exomes below 0.00001; TOPMed below 0.00001.
gnomAD v4.1: 5 of 1,579,138 alleles (0.00032%); highest among the groups gnomAD compares: Non-Finnish European, 0.00044%; no homozygotes.

Submissions (2):

Ambry Genetics
Classification: Uncertain significance for Cardiovascular phenotype. Last evaluated: 2025-08-07. Review status: criteria provided, single submitter. Criteria: Ambry Variant Classification Scheme 2023. Collection method: clinical testing. Allele origin: germline.
Comment: The c.5162+5A>G intronic variant results from an A to G substitution 5 nucleotides after coding exon 20 in the AKAP9 gene. This nucleotide position is not well conserved in available vertebrate species. In silico splice site analysis predicts that this alteration will not have any significant effect on splicing. The evidence for this gene-disease relationship is limited; therefore, the clinical significance of this alteration is unclear.

Labcorp Genetics (formerly Invitae), Labcorp
Classification: Uncertain significance for Long QT syndrome. Last evaluated: 2022-04-04. Review status: criteria provided, single submitter. Criteria: Invitae Variant Classification Sherloc (09022015). Collection method: clinical testing. Allele origin: germline.
Comment: Variants that disrupt the consensus splice site are a relatively common cause of aberrant splicing (PMID: 17576681, 9536098). Algorithms developed to predict the effect of sequence changes on RNA splicing suggest that this variant is not likely to affect RNA splicing. In summary, the available evidence is currently insufficient to determine the role of this variant in disease. Therefore, it has been classified as a Variant of Uncertain Significance. This variant has not been reported in the literature in individuals affected with AKAP9-related conditions. This variant is present in population databases (no rsID available, gnomAD 0.007%). This sequence change falls in intron 20 of the AKAP9 gene. It does not directly change the encoded amino acid sequence of the AKAP9 protein. It affects a nucleotide within the consensus splice site.

Literature cited by the submitters: PubMed 17576681 (cited by Labcorp Genetics (formerly Invitae), Labcorp); PubMed 9536098 (cited by Labcorp Genetics (formerly Invitae), Labcorp).